The following is an entry in ClinVar:

NM_001845.6(COL4A1):c.4494C>T (p.Ser1498=)

Gene: COL4A1 (collagen type IV alpha 1 chain; minus strand). Cytogenetic location: 13q34.
Variant type: single nucleotide variant.
Coding change: c.4494C>T on transcript NM_001845.6 (MANE Select); coding-DNA position 4494, C replaced by T.
Protein change: p.Ser1498=; no amino-acid change (serine 1498 retained).
Molecular consequence: synonymous variant.
Genome position (GRCh38, 1-based): chr13:110,161,338, G>A on the plus strand (C>T on the coding strand, the complement: COL4A1 is on the minus strand). VCF-style: chr13-110161338-G-A. GRCh37 (hg19) VCF-style: chr13-110813685-G-A.
Identifiers: ClinVar variation 3051533 (VCV003051533.2), dbSNP rs750133089, ClinGen allele CA7046909.

ClinVar aggregate classification (germline): Likely benign (0 of 4 stars; one submission).

Conditions:
COL4A1-related disorder. Also called: COL4A1-related disorders; COL4A1-related condition. Identifiers: MedGen CN376119, MONDO:0800461.

Allele frequency attached by ClinVar (database versions not stated): gnomAD exomes below 0.00001; ExAC 0.00001.
gnomAD v4.1: 3 of 1,613,890 alleles (0.00019%); highest among the groups gnomAD compares: Non-Finnish European, 0.00025%; no homozygotes.

Submission:

PreventionGenetics, part of Exact Sciences
Classification: Likely benign for COL4A1-related condition. Last evaluated: 2020-02-17. Review status: no assertion criteria provided. Collection method: clinical testing. Allele origin: germline.
Comment: This variant is classified as likely benign based on ACMG/AMP sequence variant interpretation guidelines (Richards et al. 2015 PMID: 25741868, with internal and published modifications).